The following is an entry in ClinVar:

NM_000432.4(MYL2):c.469C>T (p.His157Tyr)

Gene: MYL2 (myosin light chain 2; minus strand). Cytogenetic location: 12q24.11.
Variant type: single nucleotide variant.
Coding change: c.469C>T on transcript NM_000432.4 (MANE Select); coding-DNA position 469, C replaced by T.
Protein change: p.His157Tyr; replaces histidine 157 with tyrosine.
Molecular consequence: missense variant.
Genome position (GRCh38, 1-based): chr12:110,911,109, G>A on the plus strand (C>T on the coding strand, the complement: MYL2 is on the minus strand). VCF-style: chr12-110911109-G-A. GRCh37 (hg19) VCF-style: chr12-111348913-G-A.
Other names: short protein forms H157Y.
Identifiers: ClinVar variation 660510 (VCV000660510.17), dbSNP rs777223055, ClinGen allele CA043261.

ClinVar aggregate classification (germline): Uncertain significance. Review status: criteria provided, multiple submitters, no conflicts (2 of 4 stars). 5 submissions from 5 submitters: Uncertain significance (5). Last evaluated 2026-02-03.

Conditions:
Hypertrophic cardiomyopathy 10. Also called: CARDIOMYOPATHY, HYPERTROPHIC, MID-LEFT VENTRICULAR CHAMBER TYPE, 2; MYL2-Related Familial Hypertrophic Cardiomyopathy. Identifiers: MedGen C1834460, MONDO:0012112, OMIM 608758.
Cardiomyopathy (CMYO). Also called: Cardiomyopathies. Identifiers: Orphanet 167848, MedGen C0878544, MONDO:0004994, HP:0001638. Inheritance: Various modes of inheritance.
Cardiovascular phenotype. Identifiers: MedGen CN230736.

Allele frequency attached by ClinVar (database versions not stated): TOPMed 0.00006; gnomAD exomes 0.00001; gnomAD 0.00005; ExAC 0.00002.

Submissions (5):

Labcorp Genetics (formerly Invitae), Labcorp
Classification: Uncertain significance for Hypertrophic cardiomyopathy 10. Last evaluated: 2026-02-03. Review status: criteria provided, single submitter. Criteria: Invitae Variant Classification Sherloc (09022015). Collection method: clinical testing. Allele origin: germline.
Comment: This sequence change replaces histidine, which is basic and polar, with tyrosine, which is neutral and polar, at codon 157 of the MYL2 protein (p.His157Tyr). This variant is present in population databases (rs777223055, gnomAD 0.03%). This variant has not been reported in the literature in individuals affected with MYL2-related conditions. ClinVar contains an entry for this variant (Variation ID: 660510). An algorithm developed to predict the effect of missense changes on protein structure and function (PolyPhen-2) suggests that this variant is likely to be tolerated. In summary, the available evidence is currently insufficient to determine the role of this variant in disease. Therefore, it has been classified as a Variant of Uncertain Significance.

GeneDx
Classification: Uncertain significance. Last evaluated: 2025-06-03. Review status: criteria provided, single submitter. Criteria: GeneDx Variant Classification Process June 2021. Collection method: clinical testing. Allele origin: germline. Affected: yes.
Comment: In silico analysis suggests that this missense variant does not alter protein structure/function; Has not been previously published as pathogenic or benign in association with an MYL2-related disorder to our knowledge; This variant is associated with the following publications: (PMID: 22958901)

Ambry Genetics
Classification: Uncertain significance for Cardiovascular phenotype. Last evaluated: 2024-12-09. Review status: criteria provided, single submitter. Criteria: Ambry Variant Classification Scheme 2023. Collection method: clinical testing. Allele origin: germline.
Comment: The p.H157Y variant (also known as c.469C>T), located in coding exon 7 of the MYL2 gene, results from a C to T substitution at nucleotide position 469. The histidine at codon 157 is replaced by tyrosine, an amino acid with similar properties. This variant has been reported in the Framingham Heart Study/Jackson Heart Study cohort; however, clinical details were limited (Bick AG et al. Am J Hum Genet, 2012 Sep;91:513-9). This amino acid position is well conserved in available vertebrate species. In addition, this alteration is predicted to be tolerated by in silico analysis. Since supporting evidence is limited at this time, the clinical significance of this alteration remains unclear.

Women's Health and Genetics/Laboratory Corporation of America, LabCorp
Classification: Uncertain significance. Last evaluated: 2024-11-29. Review status: criteria provided, single submitter. Criteria: LabCorp Variant Classification Summary - May 2015. Collection method: clinical testing. Allele origin: germline.
Comment: Variant summary: MYL2 c.469C>T (p.His157Tyr) results in a conservative amino acid change located in the EF-hand domain (IPR002048) of the encoded protein sequence. Four of five in-silico tools predict a benign effect of the variant on protein function. The variant allele was found at a frequency of 1.2e-05 in 249478 control chromosomes. The available data on variant occurrences in the general population are insufficient to allow any conclusion about variant significance. To our knowledge, no occurrence of c.469C>T in individuals affected with Hypertrophic Cardiomyopathy and no experimental evidence demonstrating its impact on protein function have been reported. ClinVar contains an entry for this variant (Variation ID: 660510). Based on the evidence outlined above, the variant was classified as uncertain significance.

Color Diagnostics, LLC DBA Color Health
Classification: Uncertain significance for Cardiomyopathy. Last evaluated: 2024-05-14. Review status: criteria provided, single submitter. Criteria: ACMG Guidelines, 2015. Collection method: clinical testing. Allele origin: germline.
Comment: This missense variant replaces histidine with tyrosine at codon 157 of the MYL2 protein. Computational prediction tools indicate that this variant has a neutral impact on protein structure and function. To our knowledge, functional studies have not been reported for this variant. This variant has not been reported in individuals affected with MYL2-related disorders in the literature. This variant has been identified in 7/280866 chromosomes in the general population by the Genome Aggregation Database (gnomAD). The available evidence is insufficient to determine the role of this variant in disease conclusively. Therefore, this variant is classified as a Variant of Uncertain Significance.

Literature cited by the submitters: PubMed 22958901 (cited by Ambry Genetics).